The following is an entry in ClinVar:

ClinVar aggregate classification (germline): Uncertain significance. Review status: criteria provided, multiple submitters, no conflicts (2 of 4 stars). 2 submissions from 2 submitters: Uncertain significance (2). Last evaluated 2025-07-07.

Conditions:
Mitochondrial complex II deficiency, nuclear type 1. Also called: SUCCINATE CoQ REDUCTASE DEFICIENCY. Identifiers: Orphanet 3208, MedGen C5700310, MONDO:0100294, OMIM 252011.
Pheochromocytoma/paraganglioma syndrome 5. Also called: Paragangliomas 5; SDHA-Related Hereditary Paraganglioma-Pheochromocytoma Syndrome. Identifiers: Orphanet 29072, MedGen C3279992, MONDO:0013602, OMIM 614165.
Hereditary cancer-predisposing syndrome. Also called: Tumor predisposition; Hereditary neoplastic syndrome; Neoplastic Syndromes, Hereditary; Hereditary Cancer Syndrome. Identifiers: Orphanet 140162, MedGen C0027672, MeSH D009386, MONDO:0015356.

Allele frequency attached by ClinVar (database versions not stated): gnomAD exomes below 0.00001.
gnomAD v4.1: 1 of 1,613,966 alleles (0.000062%); highest among the groups gnomAD compares: East Asian, 0.0022%; no homozygotes.

Submissions (2):

Labcorp Genetics (formerly Invitae), Labcorp
Classification: Uncertain significance for Pheochromocytoma/paraganglioma syndrome 5; Mitochondrial complex II deficiency, nuclear type 1. Last evaluated: 2025-07-07. Review status: criteria provided, single submitter. Criteria: Invitae Variant Classification Sherloc (09022015). Collection method: clinical testing. Allele origin: germline.
Comment: This sequence change replaces valine, which is neutral and non-polar, with alanine, which is neutral and non-polar, at codon 432 of the SDHA protein (p.Val432Ala). This variant is present in population databases (no rsID available, gnomAD 0.006%). This variant has not been reported in the literature in individuals affected with SDHA-related conditions. ClinVar contains an entry for this variant (Variation ID: 1062898). Invitae Evidence Modeling of protein sequence and biophysical properties (such as structural, functional, and spatial information, amino acid conservation, physicochemical variation, residue mobility, and thermodynamic stability) has been performed for this missense variant. However, the output from this modeling did not meet the statistical confidence thresholds required to predict the impact of this variant on SDHA protein function. In summary, the available evidence is currently insufficient to determine the role of this variant in disease. Therefore, it has been classified as a Variant of Uncertain Significance.

Ambry Genetics
Classification: Uncertain significance for Hereditary cancer-predisposing syndrome. Last evaluated: 2022-09-28. Review status: criteria provided, single submitter. Criteria: Ambry Variant Classification Scheme 2023. Collection method: clinical testing. Allele origin: germline.
Comment: The p.V432A variant (also known as c.1295T>C), located in coding exon 10 of the SDHA gene, results from a T to C substitution at nucleotide position 1295. The valine at codon 432 is replaced by alanine, an amino acid with similar properties. This amino acid position is conserved. In addition, this alteration is predicted to be deleterious by in silico analysis. Since supporting evidence is limited at this time, the clinical significance of this alteration remains unclear.

NM_004168.4(SDHA):c.1295T>C (p.Val432Ala)

Gene: SDHA (succinate dehydrogenase complex flavoprotein subunit A; plus strand). Cytogenetic location: 5p15.33.
Variant type: single nucleotide variant.
Coding change: c.1295T>C on transcript NM_004168.4 (MANE Select); coding-DNA position 1295, T replaced by C.
Protein change: p.Val432Ala; replaces valine 432 with alanine.
Molecular consequence: missense variant.
Genome position (GRCh38, 1-based): chr5:236,462, T>C. VCF-style: chr5-236462-T-C. GRCh37 (hg19) VCF-style: chr5-236577-T-C.
Other names: c.1151T>C, p.Val384Ala (NM_001294332.2); c.1295T>C, p.Val432Ala (NM_001330758.2); short protein forms V384A, V432A.
Identifiers: ClinVar variation 1062898 (VCV001062898.9), dbSNP rs1490844767, ClinGen allele CA359013872.